The following is an entry in ClinVar:

ClinVar aggregate classification (germline): Likely pathogenic (1 of 4 stars; one submission).

Conditions:
Band heterotopia of brain. Also called: Band heterotopia. Identifiers: MedGen C4284594, MONDO:0010873, OMIM 600348.

Allele frequency attached by ClinVar (database versions not stated): gnomAD exomes below 0.00001; TOPMed below 0.00001.

Submission:

Baylor Genetics
Classification: Likely pathogenic for Band heterotopia of brain. Last evaluated: 2019-12-09. Review status: criteria provided, single submitter. Criteria: ACMG Guidelines, 2015. Collection method: clinical testing. Allele origin: unknown. Affected: yes.
Comment: This variant was determined to be likely pathogenic according to ACMG Guidelines, 2015 [PMID:25741868].

NM_004434.3(EML1):c.1897C>T (p.Arg633Ter)

Gene: EML1 (EMAP like 1; plus strand). Cytogenetic location: 14q32.2.
Variant type: single nucleotide variant.
Coding change: c.1897C>T on transcript NM_004434.3 (MANE Select); coding-DNA position 1897, C replaced by T.
Protein change: p.Arg633Ter; replaces arginine 633 with a stop codon.
Molecular consequence: nonsense.
Genome position (GRCh38, 1-based): chr14:99,920,865, C>T. VCF-style: chr14-99920865-C-T. GRCh37 (hg19) VCF-style: chr14-100387202-C-T.
Other names: c.1954C>T, p.Arg652Ter (NM_001008707.2); c.1858C>T, p.Arg620Ter (NM_001375411.1); c.1765C>T, p.Arg589Ter (NM_001375412.1); short protein forms R633*, R652*, R589*, R620*.
Identifiers: ClinVar variation 1028240 (VCV001028240.1), dbSNP rs2060118585, ClinGen allele CA391150721.